The following is an entry in ClinVar:

NM_012108.4(STAP1):c.120+6T>C

Gene: STAP1 (signal transducing adaptor family member 1; plus strand). Cytogenetic location: 4q13.2.
Variant type: single nucleotide variant.
Coding change: c.120+6T>C on transcript NM_012108.4 (MANE Select); 6 bases into the intron after coding-DNA position 120, T replaced by C.
Molecular consequence: intron variant.
Genome position (GRCh38, 1-based): chr4:67,558,935, T>C. VCF-style: chr4-67558935-T-C. GRCh37 (hg19) VCF-style: chr4-68424653-T-C.
Other names: NC_000004.11:g.68424653T>C; c.120+6T>C (NM_001317769.1, NM_001317769.2).
Identifiers: ClinVar variation 1221906 (VCV001221906.13), dbSNP rs187909999, ClinGen allele CA2937439.

ClinVar aggregate classification (germline): Benign/Likely benign. Review status: criteria provided, multiple submitters, no conflicts (2 of 4 stars). 4 submissions from 4 submitters: Benign (2); Likely benign (1). 1 of the submissions does not count toward it. Last evaluated 2025-10-01.

Conditions:
STAP1-related disorder. Also called: STAP1-related condition.

Allele frequency attached by ClinVar (database versions not stated): gnomAD 0.00369 and 0.00377; gnomAD exomes 0.00448 and 0.00463; ExAC 0.00475; 1000 Genomes Project 30x 0.00094; 1000 Genomes Project 0.00120; TOPMed 0.00297; ESP Exome Variant Server 0.00338.
gnomAD v4.1: 7,236 of 1,596,444 alleles (0.45%); highest among the groups gnomAD compares: Non-Finnish European, 0.52%; 21 homozygotes.

Submissions (5):

CeGaT Center for Human Genetics Tuebingen
Classification: Likely benign. Last evaluated: 2025-10-01. Review status: criteria provided, single submitter. Criteria: CeGaT Center For Human Genetics Tuebingen Variant Classification Criteria Version 2. Collection method: clinical testing. Allele origin: germline. Affected: yes. Observed: 1 variant allele.
Comment: STAP1: BS2

GeneDx
Classification: Benign. Last evaluated: 2020-08-07. Review status: criteria provided, single submitter. Criteria: GeneDx Variant Classification Process June 2021. Collection method: clinical testing. Allele origin: germline. Affected: yes.

Breakthrough Genomics
Classification: Benign. Review status: criteria provided, single submitter. Criteria: ACMG Guidelines, 2015. Collection method: not provided. Allele origin: germline. Inheritance: Unknown mechanism. Affected: yes.

PreventionGenetics, part of Exact Sciences
Classification: Likely benign for STAP1-related condition. Last evaluated: 2019-03-01. Review status: no assertion criteria provided. Collection method: clinical testing. Allele origin: germline. Not counted in ClinVar's aggregate classification.
Comment: This variant is classified as likely benign based on ACMG/AMP sequence variant interpretation guidelines (Richards et al. 2015 PMID: 25741868, with internal and published modifications).

Dr. Peter K. Rogan Lab, Western University
No classification provided (evidence only). Condition: Lung cancer. Review status: no classification provided. Collection method: in vitro. Allele origin: not applicable. Functional consequence: retained intron. Not counted in ClinVar's aggregate classification.